The following is an entry in ClinVar:

NM_000038.6(APC):c.8501A>G (p.His2834Arg)

Gene: APC (APC regulator of Wnt signaling pathway; plus strand). Cytogenetic location: 5q22.2.
Variant type: single nucleotide variant.
Coding change: c.8501A>G on transcript NM_000038.6 (MANE Select); coding-DNA position 8501, A replaced by G.
Protein change: p.His2834Arg; replaces histidine 2834 with arginine.
Molecular consequence: missense variant.
Genome position (GRCh38, 1-based): chr5:112,844,095, A>G. VCF-style: chr5-112844095-A-G. GRCh37 (hg19) VCF-style: chr5-112179792-A-G.
Other names: c.8417A>G, p.His2806Arg (NM_001354899.2); c.8378A>G, p.His2793Arg (NM_001354900.2); c.8324A>G, p.His2775Arg (NM_001354901.2); c.8228A>G, p.His2743Arg (NM_001354902.2); c.8198A>G, p.His2733Arg (NM_001354903.2); c.8123A>G, p.His2708Arg (NM_001354904.2); c.8021A>G, p.His2674Arg (NM_001354905.2); c.7652A>G, p.His2551Arg (NM_001354906.2); and 6 more; short protein forms H2733R, H2743R, H2551R, H2775R, H2806R, H2834R, H2852R, H2674R.
Identifiers: ClinVar variation 1346983 (VCV001346983.9), dbSNP rs1561623862, ClinGen allele CA16039772.
Genomic context (GRCh38, chr5:112,844,095, plus strand): 5'-AGAAGCGAGATTCCAAAACTGACAGCACAGAATCCAGTGGAACCCAAAGTCCTAAGCGCC[A>G]TTCTGGGTCTTACCTTGTGACATCTGTTTAAAAGAGAGGAAGAATGAAACTAAGAAAATT-3'
Protein context (NP_000029.2, residues 2824-2843): ESSGTQSPKR[His2834Arg]SGSYLVTSV

ClinVar aggregate classification (germline): Uncertain significance. Review status: criteria provided, multiple submitters, no conflicts (2 of 4 stars). 2 submissions from 2 submitters: Uncertain significance (2). Last evaluated 2026-07-25.

Conditions:
Hereditary cancer-predisposing syndrome. Also called: Hereditary Cancer Syndrome; Neoplastic Syndromes, Hereditary; Hereditary neoplastic syndrome; Tumor predisposition. Identifiers: Orphanet 140162, MedGen C0027672, MeSH D009386, MONDO:0015356.
Familial adenomatous polyposis 1 (FAP1). Also called: FAMILIAL ADENOMATOUS POLYPOSIS 1, ATTENUATED; POLYPOSIS, ADENOMATOUS INTESTINAL. Identifiers: MedGen C2713442, MONDO:0021056, OMIM 175100. Disease mechanism: loss of function.

Allele frequency attached by ClinVar (database versions not stated): gnomAD exomes below 0.00001.
gnomAD v4.1: 1 of 1,612,264 alleles (0.000062%); highest among the groups gnomAD compares: Non-Finnish European, 0.000085%; no homozygotes.

Submissions (2):

Ambry Genetics
Classification: Uncertain significance for Hereditary cancer-predisposing syndrome. Last evaluated: 2026-07-25. Review status: criteria provided, single submitter. Criteria: Ambry Variant Classification Scheme 2023. Collection method: clinical testing. Allele origin: germline.
Comment: The p.H2834R variant (also known as c.8501A>G), located in coding exon 15 of the APC gene, results from an A to G substitution at nucleotide position 8501. The histidine at codon 2834 is replaced by arginine, an amino acid with highly similar properties. This amino acid position is conserved. In addition, in silico predictors for this gene do not accurately predict pathogenicity. Based on the available evidence, the clinical significance of this variant remains unclear.

Labcorp Genetics (formerly Invitae), Labcorp
Classification: Uncertain significance for Familial adenomatous polyposis 1. Last evaluated: 2020-12-31. Review status: criteria provided, single submitter. Criteria: Invitae Variant Classification Sherloc (09022015). Collection method: clinical testing. Allele origin: germline.
Comment: Algorithms developed to predict the effect of missense changes on protein structure and function are either unavailable or do not agree on the potential impact of this missense change (SIFT: "Deleterious"; PolyPhen-2: "Probably Damaging"; Align-GVGD: "Class C0"). In summary, the available evidence is currently insufficient to determine the role of this variant in disease. Therefore, it has been classified as a Variant of Uncertain Significance. This variant has not been reported in the literature in individuals with APC-related conditions. This variant is not present in population databases (ExAC no frequency). This sequence change replaces histidine with arginine at codon 2834 of the APC protein (p.His2834Arg). The histidine residue is highly conserved and there is a small physicochemical difference between histidine and arginine.